The following is an entry in ClinVar:

ClinVar aggregate classification (germline): Uncertain significance (1 of 4 stars; one submission).

Conditions:
Familial cancer of breast. Also called: Hereditary breast cancer; hereditary breast carcinoma; BREAST CANCER, FAMILIAL. Identifiers: Orphanet 227535, MedGen C0346153, MONDO:0016419, OMIM 114480. Disease mechanism: loss of function.

Submission:

GeneDx
Classification: Uncertain significance for Familial cancer of breast. Review status: criteria provided, single submitter. Criteria: GeneDx Variant Classification (06012015). Collection method: clinical testing. Allele origin: germline.
Comment: whole or partial BRCA1 and BRCA2 large deletions and duplications have been reported in approximately 6-10% of individuals with BRCA-associated Hereditary Breast and Ovarian Cancer (Judkins 2012)

NM_007294.3(BRCA1):c.302-?_441+?(2)

Gene: BRCA1 (BRCA1 DNA repair associated; minus strand). Cytogenetic location: 17q21.31.
Variant type: Duplication.
Coding change: c.302-?_441+?(2) on transcript NM_007294.3.
Other names: Duplication Exon 6; c.302-?_441+?(2) (LRG_292t1).
Identifiers: ClinVar variation 89057 (VCV000089057.2).